The following is an entry in ClinVar:

ClinVar aggregate classification (germline): Uncertain significance (1 of 4 stars; one submission).

Conditions:
LAMA2-related muscular dystrophy (LAMA2-RD). Also called: Laminin alpha 2-related dystrophy. Identifiers: MedGen C5679788, MONDO:0100228.

Allele frequency attached by ClinVar (database versions not stated): gnomAD 0.00001; TOPMed 0.00001.
gnomAD v4.1: 3 of 1,613,886 alleles (0.00019%); highest among the groups gnomAD compares: Non-Finnish European, 0.00025%; no homozygotes.

Submission:

Labcorp Genetics (formerly Invitae), Labcorp
Classification: Uncertain significance for LAMA2-related muscular dystrophy. Last evaluated: 2022-04-12. Review status: criteria provided, single submitter. Criteria: Invitae Variant Classification Sherloc (09022015). Collection method: clinical testing. Allele origin: germline.
Comment: This sequence change replaces aspartic acid, which is acidic and polar, with glutamic acid, which is acidic and polar, at codon 2096 of the LAMA2 protein (p.Asp2096Glu). This variant is present in population databases (no rsID available, gnomAD 0.007%). This variant has not been reported in the literature in individuals affected with LAMA2-related conditions. Advanced modeling of protein sequence and biophysical properties (such as structural, functional, and spatial information, amino acid conservation, physicochemical variation, residue mobility, and thermodynamic stability) performed at Invitae indicates that this missense variant is not expected to disrupt LAMA2 protein function. In summary, the available evidence is currently insufficient to determine the role of this variant in disease. Therefore, it has been classified as a Variant of Uncertain Significance.

NM_000426.4(LAMA2):c.6288T>G (p.Asp2096Glu)

Gene: LAMA2 (laminin subunit alpha 2; plus strand). Cytogenetic location: 6q22.33.
Variant type: single nucleotide variant.
Coding change: c.6288T>G on transcript NM_000426.4 (MANE Select); coding-DNA position 6288, T replaced by G.
Protein change: p.Asp2096Glu; replaces aspartic acid 2096 with glutamic acid.
Molecular consequence: missense variant.
Genome position (GRCh38, 1-based): chr6:129,445,680, T>G. VCF-style: chr6-129445680-T-G. GRCh37 (hg19) VCF-style: chr6-129766825-T-G.
Other names: c.6288T>G, p.Asp2096Glu (NM_001079823.2); short protein forms D2096E.
Identifiers: ClinVar variation 1523674 (VCV001523674.5), dbSNP rs1476911813, ClinGen allele CA365631634.